The following is an entry in ClinVar:

NM_000525.4(KCNJ11):c.280G>A (p.Ala94Thr)

Gene: KCNJ11 (potassium inwardly rectifying channel subfamily J member 11; minus strand). Cytogenetic location: 11p15.1.
Variant type: single nucleotide variant.
Coding change: c.280G>A on transcript NM_000525.4 (MANE Select); coding-DNA position 280, G replaced by A.
Protein change: p.Ala94Thr; replaces alanine 94 with threonine.
Molecular consequence: missense variant.
Genome position (GRCh38, 1-based): chr11:17,387,812, C>T on the plus strand (G>A on the coding strand, the complement: KCNJ11 is on the minus strand). VCF-style: chr11-17387812-C-T. GRCh37 (hg19) VCF-style: chr11-17409359-C-T.
Other names: c.19G>A, p.Ala7Thr (NM_001166290.2, NM_001377296.1, NM_001377297.1); short protein forms A7T, A94T.
Identifiers: ClinVar variation 4979008 (VCV004979008.1).

ClinVar aggregate classification (germline): Uncertain significance (1 of 4 stars; one submission).

Conditions:
KCNJ11-related disorder. Also called: KCNJ11-related condition; KCNJ11-related disorders.

Submission:

PreventionGenetics, part of Exact Sciences
Classification: Uncertain significance for KCNJ11-related condition. Last evaluated: 2024-12-07. Review status: criteria provided, single submitter. Criteria: ACMG Guidelines, 2015. Collection method: clinical testing. Allele origin: germline.
Comment: The KCNJ11 c.280G>A variant is predicted to result in the amino acid substitution p.Ala94Thr. To our knowledge, this variant has not been reported in the literature. This variant is reported in 0.012% of alleles in individuals of Latino descent in gnomAD. At this time, the clinical significance of this variant is uncertain due to the absence of conclusive functional and genetic evidence.